The following is an entry in ClinVar:

ClinVar aggregate classification (germline): Uncertain significance (1 of 4 stars; one submission).

Submission:

GeneDx
Classification: Uncertain significance. Last evaluated: 2022-06-09. Review status: criteria provided, single submitter. Criteria: GeneDx Variant Classification Process June 2021. Collection method: clinical testing. Allele origin: germline. Affected: yes.
Comment: Not observed at significant frequency in large population cohorts (gnomAD); In silico analysis supports that this missense variant has a deleterious effect on protein structure/function; Has not been previously published as pathogenic or benign to our knowledge

NM_004247.4(EFTUD2):c.421G>A (p.Gly141Ser)

Gene: EFTUD2 (elongation factor Tu GTP binding domain containing 2; minus strand). Cytogenetic location: 17q21.31.
Variant type: single nucleotide variant.
Coding change: c.421G>A on transcript NM_004247.4 (MANE Select); coding-DNA position 421, G replaced by A.
Protein change: p.Gly141Ser; replaces glycine 141 with serine.
Molecular consequence: missense variant.
Genome position (GRCh38, 1-based): chr17:44,883,654, C>T on the plus strand (G>A on the coding strand, the complement: EFTUD2 is on the minus strand). VCF-style: chr17-44883654-C-T. GRCh37 (hg19) VCF-style: chr17-42961022-C-T.
Other names: c.316G>A, p.Gly106Ser (NM_001142605.2); c.421G>A, p.Gly141Ser (NM_001258353.2, NM_001258354.2); short protein forms G106S, G141S.
Identifiers: ClinVar variation 1803379 (VCV001803379.1), dbSNP rs2508834550, ClinGen allele CA399824915.
Genomic context (GRCh38, chr17:44,883,654, plus strand): 5'-ATGAGCAGGTACAAAAGAGAAATCCTGTTCCAAGTAGCTGAAAGTTCCGTCTTACCTTGC[C>T]ATGGTGGAGATGTCCACAAAGGGTCACATTTCTGATGAGCTCTGAGTTATCCATCAGATC-3'
Protein context (NP_004238.3, residues 131-151): NVTLCGHLHH[Gly141Ser]KTCFVDCLIE